The following is an entry in ClinVar:

ClinVar aggregate classification (germline): Uncertain significance (1 of 4 stars; one submission).

Conditions:
Achondrogenesis, type IA (ACG1A). Identifiers: Orphanet 932, Orphanet 93299, MedGen C0265273, MONDO:0008701, OMIM 200600.

gnomAD v4.1: 1 of 1,614,024 alleles (0.000062%); no homozygotes.

Submission:

Labcorp Genetics (formerly Invitae), Labcorp
Classification: Uncertain significance for Achondrogenesis, type IA. Last evaluated: 2024-10-26. Review status: criteria provided, single submitter. Criteria: Invitae Variant Classification Sherloc (09022015). Collection method: clinical testing. Allele origin: germline.
Comment: This sequence change replaces asparagine, which is neutral and polar, with histidine, which is basic and polar, at codon 753 of the TRIP11 protein (p.Asn753His). This variant is not present in population databases (gnomAD no frequency). This variant has not been reported in the literature in individuals affected with TRIP11-related conditions. ClinVar contains an entry for this variant (Variation ID: 1954652). Invitae Evidence Modeling of protein sequence and biophysical properties (such as structural, functional, and spatial information, amino acid conservation, physicochemical variation, residue mobility, and thermodynamic stability) indicates that this missense variant is not expected to disrupt TRIP11 protein function with a negative predictive value of 80%. In summary, the available evidence is currently insufficient to determine the role of this variant in disease. Therefore, it has been classified as a Variant of Uncertain Significance.

NM_004239.4(TRIP11):c.2257A>C (p.Asn753His)

Gene: TRIP11 (thyroid hormone receptor interactor 11; minus strand). Cytogenetic location: 14q32.12.
Variant type: single nucleotide variant.
Coding change: c.2257A>C on transcript NM_004239.4 (MANE Select); coding-DNA position 2257, A replaced by C.
Protein change: p.Asn753His; replaces asparagine 753 with histidine.
Molecular consequence: missense variant.
Genome position (GRCh38, 1-based): chr14:92,005,719, T>G on the plus strand (A>C on the coding strand, the complement: TRIP11 is on the minus strand). VCF-style: chr14-92005719-T-G. GRCh37 (hg19) VCF-style: chr14-92472063-T-G.
Other names: c.2254A>C, p.Asn752His (NM_001321851.1); short protein forms N752H, N753H.
Identifiers: ClinVar variation 1954652 (VCV001954652.5), dbSNP rs1426228183, ClinGen allele CA390658176.